The following is an entry in ClinVar:

NM_000551.4(VHL):c.614G>A (p.Arg205His)

Genes: VHL (von Hippel-Lindau tumor suppressor; plus strand), LOC107303340 (3p25 von Hippel-Lindau tumor suppressor, E3 ubiquitin protein ligase Alu-mediated recombination region; plus strand). Cytogenetic location: 3p25.3.
Variant type: single nucleotide variant.
Coding change: c.614G>A on transcript NM_000551.4 (MANE Select); coding-DNA position 614, G replaced by A.
Protein change: p.Arg205His; replaces arginine 205 with histidine.
Molecular consequence: missense variant. On other transcripts: 3 prime UTR variant (1).
Genome position (GRCh38, 1-based): chr3:10,149,937, G>A. VCF-style: chr3-10149937-G-A. GRCh37 (hg19) VCF-style: chr3-10191621-G-A.
Other names: c.*168G>A (NM_001354723.2); c.491G>A, p.Arg164His (NM_198156.3); short protein forms R205H, R164H.
Identifiers: ClinVar variation 421823 (VCV000421823.20), dbSNP rs777130107, ClinGen allele CA041951.

ClinVar aggregate classification (germline): Conflicting classifications of pathogenicity. Review status: criteria provided, conflicting classifications (1 of 4 stars). 8 submissions from 8 submitters: Uncertain significance (4); Likely benign (4). Last evaluated 2025-02-18.

Conditions:
Chuvash polycythemia. Also called: POLYCYTHEMIA, VHL-DEPENDENT. Identifiers: Orphanet 238557, MedGen C1837915, MONDO:0009892, OMIM 263400.
Nonpapillary renal cell carcinoma. Identifiers: Orphanet 422526, MedGen CN074294, MONDO:0007763, OMIM 144700.
Von Hippel-Lindau syndrome (VHLS). Also called: VHL syndrome; Von Hippel-Lindau; von Hippel–Lindau syndrome. Identifiers: Orphanet 892, MedGen C0019562, MONDO:0008667, OMIM 193300. Disease mechanism: loss of function.
Pheochromocytoma. Also called: MAX-Related Hereditary Paraganglioma-Pheochromocytoma Syndrome. Identifiers: Orphanet 29072, MedGen C0031511, MONDO:0008233, OMIM 171300, HP:0002666.
Hereditary cancer-predisposing syndrome. Also called: Hereditary neoplastic syndrome; Hereditary Cancer Syndrome; Neoplastic Syndromes, Hereditary; Tumor predisposition. Identifiers: Orphanet 140162, MedGen C0027672, MeSH D009386, MONDO:0015356.

Allele frequency attached by ClinVar (database versions not stated): TOPMed 0.00001; ExAC 0.00002; gnomAD 0.00003; gnomAD exomes 0.00003.
gnomAD v4.1: 24 of 1,614,068 alleles (0.0015%); highest among the groups gnomAD compares: East Asian, 0.022%; no homozygotes.

Submissions (8):

Color Diagnostics, LLC DBA Color Health
Classification: Likely benign for Von Hippel-Lindau syndrome. Last evaluated: 2025-02-18. Review status: criteria provided, single submitter. Criteria: ACMG Guidelines, 2015. Collection method: clinical testing. Allele origin: germline.

Labcorp Genetics (formerly Invitae), Labcorp
Classification: Uncertain significance for Von Hippel-Lindau syndrome; Chuvash polycythemia. Last evaluated: 2025-02-04. Review status: criteria provided, single submitter. Criteria: Invitae Variant Classification Sherloc (09022015). Collection method: clinical testing. Allele origin: germline.
Comment: This sequence change replaces arginine, which is basic and polar, with histidine, which is basic and polar, at codon 205 of the VHL protein (p.Arg205His). This variant is present in population databases (rs777130107, gnomAD 0.05%). This missense change has been observed in individual(s) with Von Hippel-Lindau syndrome (PMID: 37937776). ClinVar contains an entry for this variant (Variation ID: 421823). An algorithm developed to predict the effect of missense changes on protein structure and function outputs the following: PolyPhen-2: "Benign". The histidine amino acid residue is found in multiple mammalian species, which suggests that this missense change does not adversely affect protein function. In summary, the available evidence is currently insufficient to determine the role of this variant in disease. Therefore, it has been classified as a Variant of Uncertain Significance.

Department of Pathology and Laboratory Medicine, Sinai Health System
Classification: Uncertain significance for Nonpapillary renal cell carcinoma; Pheochromocytoma; Von Hippel-Lindau syndrome; Chuvash polycythemia. Last evaluated: 2025-02-03. Review status: criteria provided, single submitter. Criteria: ACMG Guidelines, 2015. Collection method: clinical testing. Allele origin: germline.

Myriad Genetics, Inc.
Classification: Likely benign for Von Hippel-Lindau syndrome. Last evaluated: 2024-08-26. Review status: criteria provided, single submitter. Criteria: Myriad Autosomal Dominant, Autosomal Recessive and X-Linked Classification Criteria (2023). Collection method: clinical testing. Allele origin: unknown.
Comment: This variant is considered likely benign. This variant has been observed at a population frequency that is significantly greater than expected given the associated disease prevalence and penetrance.

GeneDx
Classification: Likely benign. Last evaluated: 2019-03-04. Review status: criteria provided, single submitter. Criteria: GeneDx Variant Classification Process June 2021. Collection method: clinical testing. Allele origin: germline. Affected: yes.
Comment: This variant is associated with the following publications: (PMID: 25911330, 22895193, 24969085, 28422758, 10857749)

Ambry Genetics
Classification: Likely benign for Hereditary cancer-predisposing syndrome. Last evaluated: 2018-11-27. Review status: criteria provided, single submitter. Criteria: Ambry Variant Classification Scheme 2023. Collection method: clinical testing. Allele origin: germline.

Fulgent Genetics
Classification: Uncertain significance for Nonpapillary renal cell carcinoma; Pheochromocytoma; Von Hippel-Lindau syndrome; Chuvash polycythemia. Last evaluated: 2018-10-31. Review status: criteria provided, single submitter. Criteria: ACMG Guidelines, 2015. Collection method: clinical testing. Allele origin: unknown.

PreventionGenetics, part of Exact Sciences
Classification: Uncertain significance. Last evaluated: 2018-03-13. Review status: criteria provided, single submitter. Criteria: ACMG Guidelines, 2015. Collection method: clinical testing. Allele origin: germline.

Literature cited by the submitters: PubMed 37937776 (cited by Labcorp Genetics (formerly Invitae), Labcorp).